The following is an entry in ClinVar:

NM_000138.5(FBN1):c.3082+8del

Gene: FBN1 (fibrillin 1; minus strand). Cytogenetic location: 15q21.1.
Variant type: Deletion.
Coding change: c.3082+8del on transcript NM_000138.5 (MANE Select); 8 bases into the intron after coding-DNA position 3082, one base deleted (G; older notation c.3082+8delG).
Molecular consequence: intron variant.
Genome position (GRCh38, 1-based): chr15:48,489,843, C deleted on the plus strand (G on the coding strand, the reverse complement: FBN1 is on the minus strand). VCF-style (leftmost placement, unchanged base first): chr15-48489842-AC-A. GRCh37 (hg19) VCF-style: chr15-48782039-AC-A.
Other names: c.3082+8delG (NM_000138.4).
Identifiers: ClinVar variation 36062 (VCV000036062.37), dbSNP rs193922196, ClinGen allele CA013773.

ClinVar aggregate classification (germline): Benign/Likely benign. Review status: criteria provided, multiple submitters, no conflicts (2 of 4 stars). 14 submissions from 14 submitters: Benign (6); Likely benign (3). 5 of the submissions do not count toward it. Last evaluated 2026-09-01.

Conditions:
Familial thoracic aortic aneurysm and aortic dissection (TAAD). Also called: Thoracic aortic aneurysms and dissections. Identifiers: Orphanet 91387, MedGen C4707243, MONDO:0019625.
Marfan syndrome (MFS). Also called: Marfan syndrome, classic; FBN1-Related Marfan Syndrome; Marfan syndrome type 1; Marfan's syndrome; MARFAN SYNDROME, TYPE I. Identifiers: Orphanet 284963, Orphanet 558, MedGen C0024796, MONDO:0007947, OMIM 154700.
FBN1-related disorder. Also called: FBN1-related disorders.

Allele frequency attached by ClinVar (database versions not stated): gnomAD exomes 0.00085 and 0.00031; ExAC 0.00096; gnomAD 0.00332 and 0.00359; 1000 Genomes Project 30x 0.00297; TOPMed 0.00379; 1000 Genomes Project 0.00319; ESP Exome Variant Server 0.00328.

Submissions (14):

CeGaT Center for Human Genetics Tuebingen
Classification: Likely benign. Last evaluated: 2026-09-01. Review status: criteria provided, single submitter. Criteria: CeGaT Center For Human Genetics Tuebingen Variant Classification Criteria Version 2. Collection method: clinical testing. Allele origin: germline. Affected: yes. Observed: 1 variant allele.
Comment: FBN1: BP4, BS1

Labcorp Genetics (formerly Invitae), Labcorp
Classification: Benign for Marfan syndrome; Familial thoracic aortic aneurysm and aortic dissection. Last evaluated: 2026-02-02. Review status: criteria provided, single submitter. Criteria: Invitae Variant Classification Sherloc (09022015). Collection method: clinical testing. Allele origin: germline.

ARUP Laboratories, Molecular Genetics and Genomics, ARUP Laboratories
Classification: Benign. Last evaluated: 2025-01-06. Review status: criteria provided, single submitter. Criteria: ARUP Molecular Germline Variant Investigation Process 2024. Collection method: clinical testing. Allele origin: germline.

Blueprint Genetics
Classification: Likely benign. Last evaluated: 2024-10-09. Review status: criteria provided, single submitter. Criteria: ACMG Guidelines, 2015. Collection method: clinical testing. Allele origin: germline.

CHEO Genetics Diagnostic Laboratory, Children's Hospital of Eastern Ontario
Classification: Benign for Familial thoracic aortic aneurysm and aortic dissection. Last evaluated: 2022-04-05. Review status: criteria provided, single submitter. Criteria: ACMG Guidelines, 2015. Collection method: clinical testing. Allele origin: germline.

Ambry Genetics
Classification: Benign for Familial thoracic aortic aneurysm and aortic dissection. Last evaluated: 2017-03-02. Review status: criteria provided, single submitter. Criteria: Ambry Variant Classification Scheme 2023. Collection method: clinical testing. Allele origin: germline.

Eurofins Ntd Llc (ga)
Classification: Benign. Last evaluated: 2015-11-06. Review status: criteria provided, single submitter. Criteria: EGL Classification Definitions 2015. Collection method: clinical testing. Allele origin: germline. Observed: 1 variant allele, 1 heterozygote.

GeneDx
Classification: Benign for Thoracic aortic aneurysms and aortic dissections. Last evaluated: 2014-08-18. Review status: criteria provided, single submitter. Criteria: GeneDx Variant Classification (06012015). Collection method: clinical testing. Allele origin: germline. Affected: yes.
Comment: The variant is found in TAAD panel(s).

Laboratory for Molecular Medicine, Mass General Brigham Personalized Medicine
Classification: Likely benign. Last evaluated: 2011-04-22. Review status: criteria provided, single submitter. Criteria: LMM Criteria. Collection method: clinical testing. Allele origin: germline. Observed: 1 variant allele.
Comment: 3082+8delG in intron 24 of FBN1: This variant has not been previously reported, but is not expected to be of clinical significance because it is not located in the conserved region of the splicing consensus sequence.

PreventionGenetics, part of Exact Sciences
Classification: Benign for FBN1-related condition. Last evaluated: 2019-05-17. Review status: no assertion criteria provided. Collection method: clinical testing. Allele origin: germline. Not counted in ClinVar's aggregate classification.
Comment: This variant is classified as benign based on ACMG/AMP sequence variant interpretation guidelines (Richards et al. 2015 PMID: 25741868, with internal and published modifications).

Center for Medical Genetics Ghent, University of Ghent
Classification: Uncertain significance for Marfan syndrome. Last evaluated: 2017-11-07. Review status: no assertion criteria provided. Collection method: clinical testing. Allele origin: germline. Affected: yes. Not counted in ClinVar's aggregate classification.

Women's Health and Genetics/Laboratory Corporation of America, LabCorp
Classification: Benign for Marfan's syndrome. Last evaluated: 2014-07-17. Review status: no assertion criteria provided. Collection method: clinical testing. Allele origin: germline. Not counted in ClinVar's aggregate classification.

Clinical Genetics DNA and cytogenetics Diagnostics Lab, Erasmus MC, Erasmus Medical Center
Classification: Benign. Review status: no assertion criteria provided. Collection method: clinical testing. Allele origin: germline. Affected: yes. Study: VKGL Data-share Consensus. Not counted in ClinVar's aggregate classification.

Genome Diagnostics Laboratory, Amsterdam University Medical Center
Classification: Likely benign. Review status: no assertion criteria provided. Collection method: clinical testing. Allele origin: germline. Affected: yes. Study: VKGL Data-share Consensus. Not counted in ClinVar's aggregate classification.